The following is an entry in ClinVar:

ClinVar aggregate classification (germline): Uncertain significance (1 of 4 stars; one submission).

gnomAD v4.1: 14 of 1,614,080 alleles (0.00087%); highest among the groups gnomAD compares: Non-Finnish European, 0.0011%; no homozygotes.

Submission:

Labcorp Genetics (formerly Invitae), Labcorp
Classification: Uncertain significance. Last evaluated: 2025-01-24. Review status: criteria provided, single submitter. Criteria: Invitae Variant Classification Sherloc (09022015). Collection method: clinical testing. Allele origin: germline.
Comment: This sequence change replaces arginine, which is basic and polar, with glutamine, which is neutral and polar, at codon 214 of the BNC2 protein (p.Arg214Gln). The frequency data for this variant in the population databases is considered unreliable, as metrics indicate poor data quality at this position in the gnomAD database. This variant has not been reported in the literature in individuals affected with BNC2-related conditions. An algorithm developed to predict the effect of missense changes on protein structure and function (PolyPhen-2) suggests that this variant is likely to be tolerated. In summary, the available evidence is currently insufficient to determine the role of this variant in disease. Therefore, it has been classified as a Variant of Uncertain Significance.

NM_017637.6(BNC2):c.641G>A (p.Arg214Gln)

Gene: BNC2 (basonuclin zinc finger protein 2; minus strand). Cytogenetic location: 9p22.3.
Variant type: single nucleotide variant.
Coding change: c.641G>A on transcript NM_017637.6 (MANE Select); coding-DNA position 641, G replaced by A.
Protein change: p.Arg214Gln; replaces arginine 214 with glutamine.
Molecular consequence: missense variant.
Genome position (GRCh38, 1-based): chr9:16,552,558, C>T on the plus strand (G>A on the coding strand, the complement: BNC2 is on the minus strand). VCF-style: chr9-16552558-C-T. GRCh37 (hg19) VCF-style: chr9-16552556-C-T.
Other names: c.515G>A, p.Arg172Gln (NM_001317939.2); c.356G>A, p.Arg119Gln (NM_001317940.2); short protein forms R214Q, R119Q, R172Q.
Identifiers: ClinVar variation 3686565 (VCV003686565.2).